The following is an entry in ClinVar:

NM_201253.3(CRB1):c.3809A>G (p.Asn1270Ser)

Gene: CRB1 (crumbs cell polarity complex component 1; plus strand). Cytogenetic location: 1q31.3.
Variant type: single nucleotide variant.
Coding change: c.3809A>G on transcript NM_201253.3 (MANE Select); coding-DNA position 3809, A replaced by G.
Protein change: p.Asn1270Ser; replaces asparagine 1270 with serine.
Molecular consequence: missense variant. On other transcripts: non-coding transcript variant (2).
Genome position (GRCh38, 1-based): chr1:197,438,606, A>G. VCF-style: chr1-197438606-A-G. GRCh37 (hg19) VCF-style: chr1-197407736-A-G.
Other names: c.3473A>G, p.Asn1158Ser (NM_001193640.2); c.3737A>G, p.Asn1246Ser (NM_001257965.2); c.2201A>G, p.Asn734Ser (NM_001257966.2); short protein forms N1246S, N1270S, N734S, N1158S.
Identifiers: ClinVar variation 866431 (VCV000866431.6), dbSNP rs138667698, ClinGen allele CA1312404.

ClinVar aggregate classification (germline): Uncertain significance. Review status: criteria provided, multiple submitters, no conflicts (2 of 4 stars). 6 submissions from 4 submitters: Uncertain significance (6). Last evaluated 2024-10-22.

Conditions:
Pigmented paravenous retinochoroidal atrophy. Identifiers: Orphanet 251295, MedGen C1868310, MONDO:0008246, OMIM 172870.
Leber congenital amaurosis 8 (LCA8). Identifiers: Orphanet 65, MedGen C3151202, MONDO:0013453, OMIM 613835.
Retinitis pigmentosa 12 (RP12). Also called: RP WITH OR WITHOUT PPRPE; RP WITH OR WITHOUT PRESERVED PARAARTERIOLE RETINAL PIGMENT EPITHELIUM; RETINITIS PIGMENTOSA WITH OR WITHOUT PARAARTERIOLAR PRESERVATION OF RETINAL PIGMENT EPITHELIUM. Identifiers: Orphanet 791, MedGen C1838647, MONDO:0010818, OMIM 600105.
Inborn genetic diseases. Identifiers: MedGen C0950123, MeSH D030342.

Allele frequency attached by ClinVar (database versions not stated): TOPMed 0.00005; ExAC 0.00007; gnomAD 0.00007 and 0.00009; gnomAD exomes 0.00007 and 0.00012; ESP Exome Variant Server 0.00023.
gnomAD v4.1: 193 of 1,612,954 alleles (0.012%); highest among the groups gnomAD compares: Non-Finnish European, 0.015%; no homozygotes.

Submissions (6):

Ambry Genetics
Classification: Uncertain significance for Inborn genetic diseases. Last evaluated: 2024-10-22. Review status: criteria provided, single submitter. Criteria: Ambry Variant Classification Scheme 2023. Collection method: clinical testing. Allele origin: germline.

Blueprint Genetics
Classification: Uncertain significance. Last evaluated: 2024-10-09. Review status: criteria provided, single submitter. Criteria: ACMG Guidelines, 2015. Collection method: clinical testing. Allele origin: germline.

Genome-Nilou Lab
Classification: Uncertain significance for Leber congenital amaurosis 8. Last evaluated: 2023-04-11. Review status: criteria provided, single submitter. Criteria: ACMG Guidelines, 2015. Collection method: clinical testing. Allele origin: germline. Affected: no.

Genome-Nilou Lab
Classification: Uncertain significance for Pigmented paravenous retinochoroidal atrophy. Last evaluated: 2023-04-11. Review status: criteria provided, single submitter. Criteria: ACMG Guidelines, 2015. Collection method: clinical testing. Allele origin: germline. Affected: no.

Genome-Nilou Lab
Classification: Uncertain significance for Retinitis pigmentosa 12. Last evaluated: 2023-04-11. Review status: criteria provided, single submitter. Criteria: ACMG Guidelines, 2015. Collection method: clinical testing. Allele origin: germline. Affected: no.

Labcorp Genetics (formerly Invitae), Labcorp
Classification: Uncertain significance for Leber congenital amaurosis 8; Retinitis pigmentosa 12. Last evaluated: 2022-03-29. Review status: criteria provided, single submitter. Criteria: Invitae Variant Classification Sherloc (09022015). Collection method: clinical testing. Allele origin: germline.
Comment: This sequence change replaces asparagine, which is neutral and polar, with serine, which is neutral and polar, at codon 1270 of the CRB1 protein (p.Asn1270Ser). This variant is present in population databases (rs138667698, gnomAD 0.02%). This variant has not been reported in the literature in individuals affected with CRB1-related conditions. ClinVar contains an entry for this variant (Variation ID: 866431). Advanced modeling of protein sequence and biophysical properties (such as structural, functional, and spatial information, amino acid conservation, physicochemical variation, residue mobility, and thermodynamic stability) performed at Invitae indicates that this missense variant is expected to disrupt CRB1 protein function. Algorithms developed to predict the effect of sequence changes on RNA splicing suggest that this variant may create or strengthen a splice site. In summary, the available evidence is currently insufficient to determine the role of this variant in disease. Therefore, it has been classified as a Variant of Uncertain Significance.